The following is an entry in ClinVar:

Single allele

Gene: SPAST (spastin; plus strand). Cytogenetic location: 2p22.3.
Variant type: Deletion.
Identifiers: ClinVar variation 1807270 (VCV001807270.2).

ClinVar aggregate classification (germline): Pathogenic (1 of 4 stars; one submission).

Submission:

Athena Diagnostics
Classification: Pathogenic. Last evaluated: 2022-05-03. Review status: criteria provided, single submitter. Criteria: Athena Diagnostics Criteria. Collection method: clinical testing. Allele origin: unknown.
Comment: This variant is expected to severely impact normal RNA splicing, and consequently, protein structure and/or function. Similar variants have been identified in multiple unrelated individuals with clinical features associated with this gene. Similar variants have not been reported in large, multi-ethnic general populations.

Literature cited by the submitters: PubMed 17035675; PubMed 17345589; PubMed 21659953; PubMed 25421405; PubMed 30476002; PubMed 25065914; PubMed 21896784; PubMed 29980238; PubMed 24451228; PubMed 31630374.